The following is an entry in ClinVar:

ClinVar aggregate classification (germline): Uncertain significance (1 of 4 stars; one submission).

Conditions:
Progressive familial heart block type IB (PFHB1B). Identifiers: Orphanet 871, MedGen C1970298, MONDO:0011474, OMIM 604559.

Submission:

Labcorp Genetics (formerly Invitae), Labcorp
Classification: Uncertain significance for Progressive familial heart block type IB. Last evaluated: 2025-03-03. Review status: criteria provided, single submitter. Criteria: Invitae Variant Classification Sherloc (09022015). Collection method: clinical testing. Allele origin: germline.
Comment: This sequence change creates a premature translational stop signal (p.Val194Serfs*84) in the TRPM4 gene. It is expected to result in an absent or disrupted protein product. However, the current clinical and genetic evidence is not sufficient to establish whether loss-of-function variants in TRPM4 cause disease. This variant is not present in population databases (gnomAD no frequency). This variant has not been reported in the literature in individuals affected with TRPM4-related conditions. In summary, the available evidence is currently insufficient to determine the role of this variant in disease. Therefore, it has been classified as a Variant of Uncertain Significance.

NM_017636.4(TRPM4):c.580del (p.Val194fs)

Gene: TRPM4 (transient receptor potential cation channel subfamily M member 4; plus strand). Cytogenetic location: 19q13.33.
Variant type: Deletion.
Coding change: c.580del on transcript NM_017636.4 (MANE Select); coding-DNA position 580, one base deleted (G; older notation c.580delG).
Protein change: p.Val194fs; shifts the reading frame from valine 194.
Molecular consequence: frameshift variant. On other transcripts: 5 prime UTR variant (1), intron variant (2).
Genome position (GRCh38, 1-based): chr19:49,168,391, G deleted; the last of 2 consecutive G bases (chr19:49,168,390-49,168,391); deleting either gives the same sequence. VCF-style (leftmost placement, unchanged base first): chr19-49168389-TG-T. GRCh37 (hg19) VCF-style: chr19-49671646-TG-T.
Other names: c.580del, p.Val194fs (NM_001195227.2); c.-974del (NM_001321282.2); c.58del, p.Val20fs (NM_001321283.2); c.268-162del (NM_001321281.2); c.-237-162del (NM_001321285.2); short protein forms V194fs, V20fs.
Identifiers: ClinVar variation 4714238 (VCV004714238.1).